The following is an entry in ClinVar:

ClinVar aggregate classification (germline): Uncertain significance. Review status: criteria provided, multiple submitters, no conflicts (2 of 4 stars). 3 submissions from 3 submitters: Uncertain significance (3). Last evaluated 2023-04-25.

Conditions:
Cohen syndrome (COH1). Also called: Cutis verticis gyrata, retinitis pigmentosa, and sensorineural deafness; PEPPER SYNDROME. Identifiers: Orphanet 193, MedGen C0265223, MONDO:0008999, OMIM 216550.
VPS13B-related disorder. Also called: VPS13B-related condition.
Pituitary stalk interruption syndrome. Identifiers: Orphanet 95496, MedGen C4053775, MONDO:0019828.

Allele frequency attached by ClinVar (database versions not stated): gnomAD exomes below 0.00001; gnomAD 0.00001.
gnomAD v4.1: 4 of 1,613,876 alleles (0.00025%); highest among the groups gnomAD compares: Non-Finnish European, 0.00017%; no homozygotes.

Submissions (3):

PreventionGenetics, part of Exact Sciences
Classification: Uncertain significance for VPS13B-related condition. Last evaluated: 2023-04-25. Review status: criteria provided, single submitter. Criteria: ACMG Guidelines, 2015. Collection method: clinical testing. Allele origin: germline.
Comment: The VPS13B c.4298C>G variant is predicted to result in the amino acid substitution p.Ser1433Cys. This variant was reported in an individual with pituitary stalk interruption syndrome, however a second plausible causative variant in VPS13B was not identified and the individual also had a missense variant in ARID1B (Patient 13 in Table 2, Brauner et al. 2020. PubMed ID: 33270637). This variant has not been reported in a large population database, indicating this variant is rare. At this time, the clinical significance of this variant is uncertain due to the absence of conclusive functional and genetic evidence.

Labcorp Genetics (formerly Invitae), Labcorp
Classification: Uncertain significance for Cohen syndrome. Last evaluated: 2022-09-06. Review status: criteria provided, single submitter. Criteria: Invitae Variant Classification Sherloc (09022015). Collection method: clinical testing. Allele origin: germline.
Comment: This sequence change replaces serine, which is neutral and polar, with cysteine, which is neutral and slightly polar, at codon 1433 of the VPS13B protein (p.Ser1433Cys). This variant is not present in population databases (gnomAD no frequency). This variant has not been reported in the literature in individuals affected with VPS13B-related conditions. ClinVar contains an entry for this variant (Variation ID: 978572). Algorithms developed to predict the effect of missense changes on protein structure and function are either unavailable or do not agree on the potential impact of this missense change (SIFT: "Not Available"; PolyPhen-2: "Benign"; Align-GVGD: "Not Available"). In summary, the available evidence is currently insufficient to determine the role of this variant in disease. Therefore, it has been classified as a Variant of Uncertain Significance.

Human Developmental Genetics, Institut Pasteur
Classification: Uncertain significance for Pituitary stalk interruption syndrome. Last evaluated: 2020-04-01. Review status: criteria provided, single submitter. Criteria: ACMG Guidelines, 2015. Collection method: research. Allele origin: unknown. Affected: yes.

NM_152564.5(VPS13B):c.4224+707C>G

Gene: VPS13B (vacuolar protein sorting 13 homolog B; plus strand). Cytogenetic location: 8q22.2.
Variant type: single nucleotide variant.
Coding change: c.4224+707C>G on transcript NM_152564.5 (MANE Select); 707 bases into the intron after coding-DNA position 4224, C replaced by G.
Molecular consequence: intron variant. On other transcripts: missense variant (1).
Genome position (GRCh38, 1-based): chr8:99,507,910, C>G. VCF-style: chr8-99507910-C-G. GRCh37 (hg19) VCF-style: chr8-100520138-C-G.
Other names: c.4298C>G (NM_017890.4); c.4298C>G, p.Ser1433Cys (NM_017890.5); short protein forms S1433C.
Identifiers: ClinVar variation 978572 (VCV000978572.8), dbSNP rs1821585422, ClinGen allele CA371870962.